The following is an entry in ClinVar:

ClinVar aggregate classification (germline): Uncertain significance (1 of 4 stars; one submission).

Allele frequency attached by ClinVar (database versions not stated): TOPMed below 0.00001; gnomAD exomes 0.00001; ExAC 0.00002; gnomAD 0.00002.
gnomAD v4.1: 10 of 1,613,574 alleles (0.00062%); highest among the groups gnomAD compares: Non-Finnish European, 0.00085%; no homozygotes.

Submission:

Labcorp Genetics (formerly Invitae), Labcorp
Classification: Uncertain significance. Last evaluated: 2024-10-05. Review status: criteria provided, single submitter. Criteria: Invitae Variant Classification Sherloc (09022015). Collection method: clinical testing. Allele origin: germline.
Comment: This sequence change replaces lysine, which is basic and polar, with glutamic acid, which is acidic and polar, at codon 301 of the COL4A4 protein (p.Lys301Glu). This variant is present in population databases (rs201436618, gnomAD 0.002%). This variant has not been reported in the literature in individuals affected with COL4A4-related conditions. ClinVar contains an entry for this variant (Variation ID: 2156543). Invitae Evidence Modeling of protein sequence and biophysical properties (such as structural, functional, and spatial information, amino acid conservation, physicochemical variation, residue mobility, and thermodynamic stability) indicates that this missense variant is not expected to disrupt COL4A4 protein function with a negative predictive value of 95%. In summary, the available evidence is currently insufficient to determine the role of this variant in disease. Therefore, it has been classified as a Variant of Uncertain Significance.

NM_000092.5(COL4A4):c.901A>G (p.Lys301Glu)

Gene: COL4A4 (collagen type IV alpha 4 chain; minus strand). Cytogenetic location: 2q36.3.
Variant type: single nucleotide variant.
Coding change: c.901A>G on transcript NM_000092.5 (MANE Select); coding-DNA position 901, A replaced by G.
Protein change: p.Lys301Glu; replaces lysine 301 with glutamic acid.
Molecular consequence: missense variant.
Genome position (GRCh38, 1-based): chr2:227,102,818, T>C on the plus strand (A>G on the coding strand, the complement: COL4A4 is on the minus strand). VCF-style: chr2-227102818-T-C. GRCh37 (hg19) VCF-style: chr2-227967534-T-C.
Other names: short protein forms K301E.
Identifiers: ClinVar variation 2156543 (VCV002156543.2), dbSNP rs201436618, ClinGen allele CA2145368.